The following is an entry in ClinVar:

ClinVar aggregate classification (germline): Uncertain significance (1 of 4 stars; one submission).

Conditions:
Inborn genetic diseases. Identifiers: MedGen C0950123, MeSH D030342.

Submission:

Ambry Genetics
Classification: Uncertain significance for Inborn genetic diseases. Last evaluated: 2026-04-12. Review status: criteria provided, single submitter. Criteria: Ambry Variant Classification Scheme 2023. Collection method: clinical testing. Allele origin: germline.
Comment: The p.D1301N variant (also known as c.3901G>A), located in coding exon 14 of the FANCM gene, results from a G to A substitution at nucleotide position 3901. The aspartic acid at codon 1301 is replaced by asparagine, an amino acid with highly similar properties. This amino acid position is conserved. In addition, this alteration is predicted to be tolerated by in silico analysis. Based on the available evidence, the clinical significance of this variant remains unclear.

NM_020937.4(FANCM):c.3901G>A (p.Asp1301Asn)

Gene: FANCM (FA complementation group M; plus strand). Cytogenetic location: 14q21.2.
Variant type: single nucleotide variant.
Coding change: c.3901G>A on transcript NM_020937.4 (MANE Select); coding-DNA position 3901, G replaced by A.
Protein change: p.Asp1301Asn; replaces aspartic acid 1301 with asparagine.
Molecular consequence: missense variant.
Genome position (GRCh38, 1-based): chr14:45,176,655, G>A. VCF-style: chr14-45176655-G-A. GRCh37 (hg19) VCF-style: chr14-45645858-G-A.
Other names: c.3823G>A, p.Asp1275Asn (NM_001308133.2); short protein forms D1275N, D1301N.
Identifiers: ClinVar variation 4871081 (VCV004871081.1).